The following is an entry in ClinVar:

ClinVar aggregate classification (germline): Likely pathogenic (1 of 4 stars; one submission).

Conditions:
Retinitis pigmentosa 26 (RP26). Identifiers: Orphanet 791, MedGen C1842127, MONDO:0012024, OMIM 608380.

Submission:

Natera, Inc.
Classification: Likely pathogenic for Retinitis Pigmentosa 26. Last evaluated: 2024-11-18. Review status: criteria provided, single submitter. Criteria: Natera Variant Classification Schema (03/2026). Collection method: clinical testing. Allele origin: germline.
Comment: The c.1411_1413delinsTT variant in CERKL is a frameshift variant predicted to shift the reading frame beginning at codon 471 and leads to a stop codon 2 codons downstream. This variant is expected to result in nonsense mediated decay, truncation, or a dysfunctional protein product. This variant is rare in the general population with a frequency below the threshold expected for the associated phenotype(s). Given the available evidence, this variant is classified as Likely Pathogenic.

NM_201548.5(CERKL):c.1333_1335delinsTT (p.His445fs)

Gene: CERKL (CERK like autophagy regulator; minus strand). Cytogenetic location: 2q31.3.
Variant type: Indel.
Coding change: c.1333_1335delinsTT on transcript NM_201548.5 (MANE Select); coding-DNA positions 1333 to 1335, CAC replaced by TT.
Protein change: p.His445fs; shifts the reading frame from histidine 445.
Molecular consequence: frameshift variant. On other transcripts: non-coding transcript variant (2).
Genome position (GRCh38, 1-based): chr2:181,544,730-181,544,732, GTG replaced by AA on the plus strand (CAC replaced by TT on the coding strand, the reverse complement: CERKL is on the minus strand). VCF-style: chr2-181544730-GTG-AA. GRCh37 (hg19) VCF-style: chr2-182409457-GTG-AA.
Other names: c.1411_1413delinsTT, p.His471fs (NM_001030311.3); c.994_996delinsTT, p.His332fs (NM_001030312.3); c.1126_1128delinsTT, p.His376fs (NM_001030313.3); c.1279_1281delinsTT, p.His427fs (NM_001160277.2); short protein forms H332fs, H376fs, H427fs, H445fs, H471fs.
Identifiers: ClinVar variation 4814535 (VCV004814535.1).
Genomic context (GRCh38, chr2:181,544,730, plus strand): 5'-CAAATAAGTAACAAAAAGAATTTACTATACCTGATTTTTTACACTGGCATATCTTTTCAG[GTG>AA]TTTTATAAATTCTGGCCGAGAAGTGTTTCGGGCAATTATAAGAGCCATACTTCCATTATT-3'